The following is an entry in ClinVar:

ClinVar aggregate classification (germline): Uncertain significance (1 of 4 stars; one submission).

Conditions:
Charcot-Marie-Tooth disease axonal type 2O. Also called: Charcot-Marie-Tooth disease, axonal, type 20; CHARCOT-MARIE-TOOTH NEUROPATHY, AXONAL, TYPE 2O; CHARCOT-MARIE-TOOTH DISEASE, AXONAL, AUTOSOMAL DOMINANT, TYPE 2O; Charcot-Marie-Tooth Neuropathy Type 2O. Identifiers: Orphanet 284232, MedGen C3280220, MONDO:0013644, OMIM 614228.

gnomAD v4.1: 1 of 1,613,864 alleles (0.000062%); highest among the groups gnomAD compares: Admixed American, 0.0017%; no homozygotes.

Submission:

Labcorp Genetics (formerly Invitae), Labcorp
Classification: Uncertain significance for Charcot-Marie-Tooth disease axonal type 2O. Last evaluated: 2022-11-10. Review status: criteria provided, single submitter. Criteria: Invitae Variant Classification Sherloc (09022015). Collection method: clinical testing. Allele origin: germline.
Comment: This sequence change replaces glycine, which is neutral and non-polar, with arginine, which is basic and polar, at codon 2405 of the DYNC1H1 protein (p.Gly2405Arg). This variant is not present in population databases (gnomAD no frequency). This variant has not been reported in the literature in individuals affected with DYNC1H1-related conditions. Advanced modeling of protein sequence and biophysical properties (such as structural, functional, and spatial information, amino acid conservation, physicochemical variation, residue mobility, and thermodynamic stability) performed at Invitae indicates that this missense variant is not expected to disrupt DYNC1H1 protein function. In summary, the available evidence is currently insufficient to determine the role of this variant in disease. Therefore, it has been classified as a Variant of Uncertain Significance.

NM_001376.5(DYNC1H1):c.7213G>C (p.Gly2405Arg)

Gene: DYNC1H1 (dynein cytoplasmic 1 heavy chain 1; plus strand). Cytogenetic location: 14q32.31.
Variant type: single nucleotide variant.
Coding change: c.7213G>C on transcript NM_001376.5 (MANE Select); coding-DNA position 7213, G replaced by C.
Protein change: p.Gly2405Arg; replaces glycine 2405 with arginine.
Molecular consequence: missense variant.
Genome position (GRCh38, 1-based): chr14:102,015,303, G>C. VCF-style: chr14-102015303-G-C. GRCh37 (hg19) VCF-style: chr14-102481640-G-C.
Other names: short protein forms G2405R.
Identifiers: ClinVar variation 2994680 (VCV002994680.3), dbSNP rs2152581608, ClinGen allele CA391060449.